The following is an entry in ClinVar:

NM_001754.5(RUNX1):c.691C>A (p.Leu231Met)

Gene: RUNX1 (RUNX family transcription factor 1; minus strand). Cytogenetic location: 21q22.12.
Variant type: single nucleotide variant.
Coding change: c.691C>A on transcript NM_001754.5 (MANE Select); coding-DNA position 691, C replaced by A.
Protein change: p.Leu231Met; replaces leucine 231 with methionine.
Molecular consequence: missense variant.
Genome position (GRCh38, 1-based): chr21:34,834,524, G>T on the plus strand (C>A on the coding strand, the complement: RUNX1 is on the minus strand). VCF-style: chr21-34834524-G-T. GRCh37 (hg19) VCF-style: chr21-36206821-G-T.
Other names: NM_001754.5(RUNX1):c.691C>A; p.Leu231Met; c.610C>A, p.Leu204Met (NM_001001890.3, NM_001122607.2); short protein forms L231M, L204M.
Identifiers: ClinVar variation 3791480 (VCV003791480.1).
Genomic context (GRCh38, chr21:34,834,524, plus strand): 5'-CACGAGGGTTGGGCGTGGGGGCTGGGTGGTGTGGGCTGACCCTCATGGCTGTGCGCCGCA[G>T]CTGCTCCAGTTCACTGAGCCGCTCGGAAAAGGACAAGCTCCCGGGCTTGGTCTGATCATC-3'
Protein context (NP_001745.2, residues 221-241): FSERLSELEQ[Leu231Met]RRTAMRVSPH

ClinVar aggregate classification (germline): Uncertain significance. Review status: reviewed by expert panel (3 of 4 stars). 2 submissions from 2 submitters: Uncertain significance (1). 1 of the submissions does not count toward it. Last evaluated 2025-07-11.

Conditions:
Inborn genetic diseases. Identifiers: MedGen C0950123, MeSH D030342.
Hereditary thrombocytopenia and hematologic cancer predisposition syndrome. Identifiers: Orphanet 71290, MedGen CN281654, MONDO:0011071.

gnomAD v4.1: 1 of 1,613,242 alleles (0.000062%); highest among the groups gnomAD compares: African/African-American, 0.0013%; no homozygotes.

Submissions (2):

ClinGen Myeloid Malignancy Variant Curation Expert Panel
Classification: Uncertain significance for Hereditary thrombocytopenia and hematologic cancer predisposition syndrome. Last evaluated: 2025-07-11. Review status: reviewed by expert panel. Criteria: ClinGen MyeloMalig ACMG Specifications v2. Collection method: curation. Allele origin: germline. Inheritance: Autosomal dominant inheritance.
Comment: NM_001754.5(RUNX1):c.691C>A (p.Leu231Met) is a missense variant which is completely absent from all population databases with at least 20x coverage for RUNX1 (PM2_Supporting). In summary, the clinical significance of this variant is uncertain. ACMG/AMP criteria applied, as specified by the Myeloid Malignancy Variant Curation Expert Panel for RUNX1: PM2_Supporting.

Ambry Genetics
Classification: Uncertain significance for Inborn genetic diseases. Last evaluated: 2025-01-20. Review status: criteria provided, single submitter. Criteria: Ambry Variant Classification Scheme 2023. Collection method: clinical testing. Allele origin: germline. Not counted in ClinVar's aggregate classification.
Comment: The p.L231M variant (also known as c.691C>A), located in coding exon 6 of the RUNX1 gene, results from a C to A substitution at nucleotide position 691. The leucine at codon 231 is replaced by methionine, an amino acid with highly similar properties. This amino acid position is conserved. In addition, the in silico prediction for this alteration is inconclusive. Based on the available evidence, the clinical significance of this variant remains unclear.